The following is an entry in ClinVar:

NM_001145358.2(SIN3A):c.378G>A (p.Ala126=)

Gene: SIN3A (SIN3 transcription regulator family member A; minus strand). Cytogenetic location: 15q24.2.
Variant type: single nucleotide variant.
Coding change: c.378G>A on transcript NM_001145358.2 (MANE Select); coding-DNA position 378, G replaced by A.
Protein change: p.Ala126=; no amino-acid change (alanine 126 retained).
Molecular consequence: synonymous variant.
Genome position (GRCh38, 1-based): chr15:75,414,300, C>T on the plus strand (G>A on the coding strand, the complement: SIN3A is on the minus strand). VCF-style: chr15-75414300-C-T. GRCh37 (hg19) VCF-style: chr15-75706641-C-T.
Other names: c.378G>A, p.Ala126= (NM_001145357.2, NM_015477.3).
Identifiers: ClinVar variation 3388437 (VCV003388437.16).

ClinVar aggregate classification (germline): Likely benign. Review status: criteria provided, multiple submitters, no conflicts (2 of 4 stars). 2 submissions from 2 submitters: Likely benign (2). Last evaluated 2025-04-21.

gnomAD v4.1: 45 of 1,501,602 alleles (0.003%); highest among the groups gnomAD compares: Non-Finnish European, 0.0014%; no homozygotes.

Submissions (2):

Labcorp Genetics (formerly Invitae), Labcorp
Classification: Likely benign. Last evaluated: 2025-04-21. Review status: criteria provided, single submitter. Criteria: Invitae Variant Classification Sherloc (09022015). Collection method: clinical testing. Allele origin: germline.

CeGaT Center for Human Genetics Tuebingen
Classification: Likely benign. Last evaluated: 2024-11-01. Review status: criteria provided, single submitter. Criteria: CeGaT Center For Human Genetics Tuebingen Variant Classification Criteria Version 2. Collection method: clinical testing. Allele origin: germline. Affected: yes. Observed: 1 variant allele.
Comment: SIN3A: BP4, BP7